The following is an entry in ClinVar:

NM_000049.4(ASPA):c.527-2A>G

Genes: ASPA (aspartoacylase; plus strand), SPATA22 (spermatogenesis associated 22; minus strand). Cytogenetic location: 17p13.2.
Variant type: single nucleotide variant.
Coding change: c.527-2A>G on transcript NM_000049.4 (MANE Select); the canonical splice acceptor site of the intron before coding-DNA position 527, A replaced by G.
Molecular consequence: splice acceptor variant. On other transcripts: intron variant (2).
Genome position (GRCh38, 1-based): chr17:3,489,233, A>G. VCF-style: chr17-3489233-A-G. GRCh37 (hg19) VCF-style: chr17-3392527-A-G.
Other names: c.-73-19835T>C (NM_001321336.2, NM_001321337.2); c.527-2A>G (NM_001128085.1, NM_000049.2).
Identifiers: ClinVar variation 2678891 (VCV002678891.1), dbSNP rs778385612, ClinGen allele CA397684413.

ClinVar aggregate classification (germline): Likely pathogenic. Review status: criteria provided, multiple submitters, no conflicts (2 of 4 stars). 2 submissions from 2 submitters: Likely pathogenic (2). Last evaluated 2024-06-03.

Conditions:
Spongy degeneration of central nervous system. Also called: ACY2 DEFICIENCY; AMINOACYLASE 2 DEFICIENCY; ASP DEFICIENCY; ASPA DEFICIENCY; ASPARTOACYLASE DEFICIENCY; CANAVAN-VAN BOGAERT-BERTRAND DISEASE. Identifiers: Orphanet 141, MedGen C0206307, MONDO:0010079, OMIM 271900.

gnomAD v4.1: 1 of 1,579,268 alleles (0.000063%); highest among the groups gnomAD compares: East Asian, 0.0022%; no homozygotes.

Submissions (2):

Natera, Inc.
Classification: Likely pathogenic for Canavan Disease. Last evaluated: 2024-06-03. Review status: criteria provided, single submitter. Criteria: Natera Variant Classification Schema (03/2026). Collection method: clinical testing. Allele origin: germline.
Comment: The c.527-2A>G variant in ASPA is a canonical splice acceptor site variant predicted to affect pre-mRNA splicing, which may result in an abnormal transcript and altered protein product. This variant is expected to result in nonsense mediated decay, truncation, or a dysfunctional protein product. This variant is rare in the general population with a frequency below the threshold expected for the associated phenotype(s). Given the available evidence, this variant is classified as Likely Pathogenic.

Baylor Genetics
Classification: Likely pathogenic for Spongy degeneration of central nervous system. Last evaluated: 2023-06-20. Review status: criteria provided, single submitter. Criteria: ACMG Guidelines, 2015. Collection method: clinical testing. Allele origin: unknown.